The following is an entry in ClinVar:

NM_001375808.2(LPIN2):c.658C>A (p.His220Asn)

Gene: LPIN2 (lipin 2; minus strand). Cytogenetic location: 18p11.31.
Variant type: single nucleotide variant.
Coding change: c.658C>A on transcript NM_001375808.2 (MANE Select); coding-DNA position 658, C replaced by A.
Protein change: p.His220Asn; replaces histidine 220 with asparagine.
Molecular consequence: missense variant.
Genome position (GRCh38, 1-based): chr18:2,940,645, G>T on the plus strand (C>A on the coding strand, the complement: LPIN2 is on the minus strand). VCF-style: chr18-2940645-G-T. GRCh37 (hg19) VCF-style: chr18-2940643-G-T.
Other names: c.658C>A, p.His220Asn (NM_001375809.1, NM_014646.2); short protein forms H220N.
Identifiers: ClinVar variation 3539176 (VCV003539176.2).

ClinVar aggregate classification (germline): Uncertain significance. Review status: criteria provided, multiple submitters, no conflicts (2 of 4 stars). 2 submissions from 2 submitters: Uncertain significance (2). Last evaluated 2024-12-05.

Conditions:
Inborn genetic diseases. Identifiers: MedGen C0950123, MeSH D030342.
Majeed syndrome (MJDS). Also called: CHRONIC RECURRENT MULTIFOCAL OSTEOMYELITIS 1, WITH CONGENITAL DYSERYTHROPOIETIC ANEMIA, WITH OR WITHOUT NEUTROPHILIC DERMATOSIS; LPIN2-Related Majeed Syndrome. Identifiers: Orphanet 77297, MedGen C1864997, MONDO:0012316, OMIM 609628.

gnomAD v4.1: 4 of 1,613,096 alleles (0.00025%); highest among the groups gnomAD compares: East Asian, 0.0022%; no homozygotes.

Submissions (2):

Ambry Genetics
Classification: Uncertain significance for Inborn genetic diseases. Last evaluated: 2024-12-05. Review status: criteria provided, single submitter. Criteria: Ambry Variant Classification Scheme 2023. Collection method: clinical testing. Allele origin: germline.

ARUP Laboratories, Molecular Genetics and Genomics, ARUP Laboratories
Classification: Uncertain significance for Majeed syndrome. Last evaluated: 2024-09-04. Review status: criteria provided, single submitter. Criteria: ARUP Molecular Germline Variant Investigation Process 2024. Collection method: clinical testing. Allele origin: germline.
Comment: The LPIN2 c.658C>A; p.His220Asn variant (rs376567516), to our knowledge, is not reported in the medical literature or gene specific databases. This variant is only found on one allele in the Genome Aggregation Database (v2.1.1), indicating it is not a common polymorphism. Computational analyses are uncertain whether this variant is neutral or deleterious (REVEL: 0.184). Due to limited information, the clinical significance of this variant is uncertain at this time.